The following is an entry in ClinVar:

NM_153332.4(ERI1):c.450A>T (p.Glu150Asp)

Gene: ERI1 (exoribonuclease 1). Cytogenetic location: 8p23.1.
Variant type: single nucleotide variant.
Coding change: c.450A>T on transcript NM_153332.4 (MANE Select); coding-DNA position 450, A replaced by T.
Protein change: p.Glu150Asp; replaces glutamic acid 150 with aspartic acid.
Molecular consequence: missense variant.
Genome position (GRCh38, 1-based): chr8:9,011,704, A>T. VCF-style: chr8-9011704-A-T. GRCh37 (hg19) VCF-style: chr8-8869214-A-T.
Other names: c.216A>T, p.Glu72Asp (NM_001354635.2); c.105A>T, p.Glu35Asp (NM_001354636.2); c.450A>T, p.Glu150Asp (NM_001354638.2); short protein forms E150D, E35D, E72D.
Identifiers: ClinVar variation 2674625 (VCV002674625.5), dbSNP rs2486219940, ClinGen allele CA370263167.

ClinVar aggregate classification (germline): Likely pathogenic. Review status: criteria provided, single submitter (1 of 4 stars). 2 submissions from 2 submitters: Likely pathogenic (1). 1 of the submissions does not count toward it. Last evaluated 2024-03-03.

Conditions:
Spondyloepimetaphyseal dysplasia, Guo-Campeau type. Also called: Spondyloepimetaphyseal dysplasia, Guo-Salian type. Identifiers: MedGen C5882737, MONDO:0958006, OMIM 620663.

gnomAD v4.1: 2 of 1,612,014 alleles (0.00012%); highest among the groups gnomAD compares: Non-Finnish European, 0.00017%; no homozygotes.

Submissions (2):

SIB Swiss Institute of Bioinformatics
Classification: Likely pathogenic for Spondyloepimetaphyseal dysplasia, Guo-Campeau type. Last evaluated: 2024-03-03. Review status: criteria provided, single submitter. Criteria: ACMG Guidelines, 2015. Collection method: curation. Allele origin: unknown. Affected: yes.
Comment: This variant is interpreted for Spondyloepimetaphyseal dysplasia, Guo-Campeau type, autosomal recessive. The following ACMG Tag(s) were applied: Absent from controls (or at extremely low frequency if recessive) in gnomAD (PM2). Cosegregation with disease in multiple affected family members in a gene definitively known to cause the disease (PP1). For recessive disorders, detected in trans with a pathogenic variant (PM3). Well-established functional studies show a deleterious effect (PS3-supporting).

OMIM
Classification: Pathogenic for SPONDYLOEPIMETAPHYSEAL DYSPLASIA, GUO-CAMPEAU TYPE. Last evaluated: 2024-02-08. Review status: no assertion criteria provided. Collection method: literature only. Allele origin: germline. Not counted in ClinVar's aggregate classification.

Literature cited by the submitters: PubMed 37352860 (cited by SIB Swiss Institute of Bioinformatics and OMIM).